The following is an entry in ClinVar:

NM_003865.3(HESX1):c.59C>T (p.Ser20Phe)

Gene: HESX1 (HESX homeobox 1; minus strand). Cytogenetic location: 3p14.3.
Variant type: single nucleotide variant.
Coding change: c.59C>T on transcript NM_003865.3 (MANE Select); coding-DNA position 59, C replaced by T.
Protein change: p.Ser20Phe; replaces serine 20 with phenylalanine.
Molecular consequence: missense variant.
Genome position (GRCh38, 1-based): chr3:57,199,860, G>A on the plus strand (C>T on the coding strand, the complement: HESX1 is on the minus strand). VCF-style: chr3-57199860-G-A. GRCh37 (hg19) VCF-style: chr3-57233888-G-A.
Other names: c.59C>T, p.Ser20Phe (NM_001376058.1, NM_001376059.1, NM_001376060.1 and 1 more transcripts); short protein forms S20F.
Identifiers: ClinVar variation 4999411 (VCV004999411.1).

ClinVar aggregate classification (germline): Uncertain significance (1 of 4 stars; one submission).

Conditions:
HESX1-related disorder. Also called: HESX1-related condition.

gnomAD v4.1: 1 of 1,614,006 alleles (0.000062%); highest among the groups gnomAD compares: South Asian, 0.0011%; no homozygotes.

Submission:

PreventionGenetics, part of Exact Sciences
Classification: Uncertain significance for HESX1-related condition. Last evaluated: 2026-06-08. Review status: criteria provided, single submitter. Criteria: ACMG Guidelines, 2015. Collection method: clinical testing. Allele origin: germline.
Comment: The HESX1 c.59C>T variant is predicted to result in the amino acid substitution p.Ser20Phe. To our knowledge, this variant has not been reported in the literature or in a large population database (gnomAD), indicating this variant is rare. At this time, the clinical significance of this variant is uncertain due to the absence of conclusive functional and genetic evidence.